The following is an entry in ClinVar:

ClinVar aggregate classification (germline): Uncertain significance (1 of 4 stars; one submission).

Submission:

GeneDx
Classification: Uncertain significance. Last evaluated: 2021-06-30. Review status: criteria provided, single submitter. Criteria: GeneDx Variant Classification Process June 2021. Collection method: clinical testing. Allele origin: germline. Affected: yes.
Comment: Has not been previously published as pathogenic or benign to our knowledge; Not observed at significant frequency in large population cohorts (Lek et al., 2016); In silico analysis supports that this missense variant has a deleterious effect on protein structure/function; This variant is associated with the following publications: (PMID: 27535533)

NM_003238.6(TGFB2):c.1233C>G (p.Cys411Trp)

Gene: TGFB2 (transforming growth factor beta 2; plus strand). Cytogenetic location: 1q41.
Variant type: single nucleotide variant.
Coding change: c.1233C>G on transcript NM_003238.6 (MANE Select); coding-DNA position 1233, C replaced by G.
Protein change: p.Cys411Trp; replaces cysteine 411 with tryptophan.
Molecular consequence: missense variant. On other transcripts: non-coding transcript variant (2).
Genome position (GRCh38, 1-based): chr1:218,441,350, C>G. VCF-style: chr1-218441350-C-G. GRCh37 (hg19) VCF-style: chr1-218614692-C-G.
Other names: c.1317C>G, p.Cys439Trp (NM_001135599.4); short protein forms C411W, C439W.
Identifiers: ClinVar variation 1331170 (VCV001331170.2), dbSNP rs2102634511, ClinGen allele CA344728081.